The following is an entry in ClinVar:

ClinVar aggregate classification (germline): Conflicting classifications of pathogenicity. Review status: criteria provided, conflicting classifications (1 of 4 stars). 2 submissions from 2 submitters: Uncertain significance (1); Likely benign (1). Last evaluated 2025-07-11.

Allele frequency attached by ClinVar (database versions not stated): gnomAD 0.00003; gnomAD exomes 0.00007; ExAC 0.00008; TOPMed 0.00009.

Submissions (2):

Ambry Genetics
Classification: Uncertain significance. Last evaluated: 2025-07-11. Review status: criteria provided, single submitter. Criteria: Ambry Variant Classification Scheme 2023. Collection method: clinical testing. Allele origin: germline.

CeGaT Center for Human Genetics Tuebingen
Classification: Likely benign. Last evaluated: 2023-11-01. Review status: criteria provided, single submitter. Criteria: CeGaT Center For Human Genetics Tuebingen Variant Classification Criteria Version 2. Collection method: clinical testing. Allele origin: germline. Affected: yes. Observed: 1 variant allele.
Comment: USF3: BP4

NM_001009899.4(USF3):c.3118G>T (p.Asp1040Tyr)

Gene: USF3 (upstream transcription factor family member 3; minus strand). Cytogenetic location: 3q13.2.
Variant type: single nucleotide variant.
Coding change: c.3118G>T on transcript NM_001009899.4 (MANE Select); coding-DNA position 3118, G replaced by T.
Protein change: p.Asp1040Tyr; replaces aspartic acid 1040 with tyrosine.
Molecular consequence: missense variant.
Genome position (GRCh38, 1-based): chr3:113,658,564, C>A on the plus strand (G>T on the coding strand, the complement: USF3 is on the minus strand). VCF-style: chr3-113658564-C-A. GRCh37 (hg19) VCF-style: chr3-113377411-C-A.
Other names: short protein forms D1040Y.
Identifiers: ClinVar variation 2462881 (VCV002462881.26), dbSNP rs771302849, ClinGen allele CA2547015.